The following is an entry in ClinVar:

NM_152641.4(ARID2):c.5132_5135dup (p.Ser1713fs)

Gene: ARID2 (AT-rich interaction domain 2; plus strand). Cytogenetic location: 12q12.
Variant type: Duplication.
Coding change: c.5132_5135dup on transcript NM_152641.4 (MANE Select); coding-DNA positions 5132 to 5135, 4 bases duplicated (AGAA; older notation c.5132_5135dupAGAA).
Protein change: p.Ser1713fs; shifts the reading frame from serine 1713.
Molecular consequence: frameshift variant.
Genome position (GRCh38, 1-based): chr12:45,892,081-45,892,084, AGAA duplicated. VCF-style (leftmost placement, unchanged base first): chr12-45892080-C-CAGAA. GRCh37 (hg19) VCF-style: chr12-46285863-C-CAGAA.
Other names: c.5132_5135dup, p.Ser1713fs (NM_001347839.2); short protein forms S1713fs.
Identifiers: ClinVar variation 1198066 (VCV001198066.2), dbSNP rs2138233303, ClinGen allele CA2499221638.

ClinVar aggregate classification (germline): Pathogenic (1 of 4 stars; one submission).

Submission:

GeneDx
Classification: Pathogenic. Last evaluated: 2019-11-20. Review status: criteria provided, single submitter. Criteria: GeneDx Variant Classification Process June 2021. Collection method: clinical testing. Allele origin: germline. Affected: yes.
Comment: Frameshift variant predicted to result in protein truncation or nonsense mediated decay in a gene for which loss-of-function is a known mechanism of disease; Not observed in large population cohorts (Lek et al., 2016); Has not been previously published as pathogenic or benign to our knowledge